The following is an entry in ClinVar:

ClinVar aggregate classification (germline): Pathogenic/Likely pathogenic. Review status: criteria provided, multiple submitters, no conflicts (2 of 4 stars). 2 submissions from 2 submitters: Pathogenic (1); Likely pathogenic (1). Last evaluated 2025-11-25.

Conditions:
GNPTG-mucolipidosis. Also called: Mucolipidosis type III gamma; MUCOLIPIDOSIS III, COMPLEMENTATION GROUP C; MUCOLIPIDOSIS III, IRANIAN VARIANT FORM; MUCOLIPIDOSIS III, VARIANT FORM; ML III GAMMA; ML IIIC. Identifiers: Orphanet 423470, Orphanet 577, MedGen C1854896, MONDO:0009652, OMIM 252605.

gnomAD v4.1: 1 of 1,614,082 alleles (0.000062%); highest among the groups gnomAD compares: South Asian, 0.0011%; no homozygotes.

Submissions (2):

Labcorp Genetics (formerly Invitae), Labcorp
Classification: Pathogenic. Last evaluated: 2025-11-25. Review status: criteria provided, single submitter. Criteria: Invitae Variant Classification Sherloc (09022015). Collection method: clinical testing. Allele origin: germline.
Comment: This sequence change creates a premature translational stop signal (p.Gln187*) in the GNPTG gene. It is expected to result in an absent or disrupted protein product. Loss-of-function variants in GNPTG are known to be pathogenic (PMID: 19370764, 20301784). This variant is present in population databases (no rsID available, gnomAD 0.003%). This variant has not been reported in the literature in individuals affected with GNPTG-related conditions. For these reasons, this variant has been classified as Pathogenic.

Natera, Inc.
Classification: Likely pathogenic for Mucolipidosis III gamma. Last evaluated: 2024-12-18. Review status: criteria provided, single submitter. Criteria: Natera Variant Classification Schema (03/2026). Collection method: clinical testing. Allele origin: germline.
Comment: The c.559C>T variant in GNPTG is a nonsense variant predicted to introduce a stop codon at amino acid 187. This variant is expected to result in nonsense mediated decay, truncation, or a dysfunctional protein product. This variant is rare in the general population with a frequency below the threshold expected for the associated phenotype(s). Given the available evidence, this variant is classified as Likely Pathogenic.

Literature cited by the submitters: PubMed 19370764 (cited by Labcorp Genetics (formerly Invitae), Labcorp); PubMed 20301784 (cited by Labcorp Genetics (formerly Invitae), Labcorp).

NM_032520.5(GNPTG):c.559C>T (p.Gln187Ter)

Gene: GNPTG (N-acetylglucosamine-1-phosphate transferase subunit gamma; plus strand). Cytogenetic location: 16p13.3.
Variant type: single nucleotide variant.
Coding change: c.559C>T on transcript NM_032520.5 (MANE Select); coding-DNA position 559, C replaced by T.
Protein change: p.Gln187Ter; replaces glutamine 187 with a stop codon.
Molecular consequence: nonsense.
Genome position (GRCh38, 1-based): chr16:1,362,484, C>T. VCF-style: chr16-1362484-C-T. GRCh37 (hg19) VCF-style: chr16-1412485-C-T.
Other names: c.559C>T (NM_032520.4); short protein forms Q187*.
Identifiers: ClinVar variation 4807182 (VCV004807182.2).
Genomic context (GRCh38, chr16:1,362,484, plus strand): 5'-CTGAGCCTGGCTTCTCTTGGGTCCTCAGTGTACCCAACCCTGCCAGAGGCCCTGCAGCGG[C>T]AGTGGGACCAGGTAGAGCAGGACCTGGCCGATGAGCTGATCACCCCCCAGGTAAGCGTGC-3'